The following is an entry in ClinVar:

ClinVar aggregate classification (germline): Uncertain significance (1 of 4 stars; one submission).

Allele frequency attached by ClinVar (database versions not stated): gnomAD 0.00002; TOPMed 0.00002.
gnomAD v4.1: 3 of 1,613,132 alleles (0.00019%); highest among the groups gnomAD compares: Admixed American, 0.005%; no homozygotes.

Submission:

GeneDx
Classification: Uncertain significance. Last evaluated: 2021-08-23. Review status: criteria provided, single submitter. Criteria: GeneDx Variant Classification Process June 2021. Collection method: clinical testing. Allele origin: germline. Affected: yes.
Comment: Not observed at significant frequency in large population cohorts (Lek et al., 2016); In silico analysis supports that this missense variant does not alter protein structure/function; Has not been previously published as pathogenic or benign to our knowledge; This variant is associated with the following publications: (PMID: 27535533)

NM_001270.4(CHD1):c.309G>C (p.Lys103Asn)

Gene: CHD1 (chromodomain helicase DNA binding protein 1; minus strand). Cytogenetic location: 5q21.1.
Variant type: single nucleotide variant.
Coding change: c.309G>C on transcript NM_001270.4 (MANE Select); coding-DNA position 309, G replaced by C.
Protein change: p.Lys103Asn; replaces lysine 103 with asparagine.
Molecular consequence: missense variant. On other transcripts: non-coding transcript variant (2).
Genome position (GRCh38, 1-based): chr5:98,903,855, C>G on the plus strand (G>C on the coding strand, the complement: CHD1 is on the minus strand). VCF-style: chr5-98903855-C-G. GRCh37 (hg19) VCF-style: chr5-98239559-C-G.
Other names: c.309G>C, p.Lys103Asn (NM_001364113.3, NM_001376194.2); short protein forms K103N.
Identifiers: ClinVar variation 1254870 (VCV001254870.2), dbSNP rs1198416000, ClinGen allele CA360523766.